The following is an entry in ClinVar:

NM_033380.3(COL4A5):c.526C>T (p.Pro176Ser)

Gene: COL4A5 (collagen type IV alpha 5 chain; plus strand). Cytogenetic location: Xq22.3.
Variant type: single nucleotide variant.
Coding change: c.526C>T on transcript NM_033380.3 (MANE Select); coding-DNA position 526, C replaced by T.
Protein change: p.Pro176Ser; replaces proline 176 with serine.
Molecular consequence: missense variant.
Genome position (GRCh38, 1-based): chrX:108,573,634, C>T. VCF-style: chrX-108573634-C-T. GRCh37 (hg19) VCF-style: chrX-107816864-C-T.
Other names: c.526C>T, p.Pro176Ser (NM_000495.5); short protein forms P176S.
Identifiers: ClinVar variation 4739636 (VCV004739636.1).

ClinVar aggregate classification (germline): Uncertain significance (1 of 4 stars; one submission).

gnomAD v4.1: 1 of 1,195,099 alleles (0.000084%); highest among the groups gnomAD compares: Non-Finnish European, 0.00011%; no homozygotes.

Submission:

Labcorp Genetics (formerly Invitae), Labcorp
Classification: Uncertain significance. Last evaluated: 2025-10-23. Review status: criteria provided, single submitter. Criteria: Invitae Variant Classification Sherloc (09022015). Collection method: clinical testing. Allele origin: germline.
Comment: This sequence change replaces proline, which is neutral and non-polar, with serine, which is neutral and polar, at codon 176 of the COL4A5 protein (p.Pro176Ser). This variant is present in population databases (no rsID available, gnomAD 0.001%). This variant has not been reported in the literature in individuals affected with COL4A5-related conditions. Invitae Evidence Modeling of protein sequence and biophysical properties (such as structural, functional, and spatial information, amino acid conservation, physicochemical variation, residue mobility, and thermodynamic stability) indicates that this missense variant is not expected to disrupt COL4A5 protein function with a negative predictive value of 95%. In summary, the available evidence is currently insufficient to determine the role of this variant in disease. Therefore, it has been classified as a Variant of Uncertain Significance.